The following is an entry in ClinVar:

ClinVar aggregate classification (germline): Uncertain significance (1 of 4 stars; one submission).

Conditions:
Dyskeratosis congenita. Identifiers: Orphanet 1775, MedGen C0265965, MONDO:0015780.

Submission:

Labcorp Genetics (formerly Invitae), Labcorp
Classification: Uncertain significance for Dyskeratosis congenita. Last evaluated: 2025-10-14. Review status: criteria provided, single submitter. Criteria: Invitae Variant Classification Sherloc (09022015). Collection method: clinical testing. Allele origin: germline.
Comment: This sequence change replaces histidine, which is basic and polar, with tyrosine, which is neutral and polar, at codon 156 of the CTC1 protein (p.His156Tyr). This variant is not present in population databases (gnomAD no frequency). This variant has not been reported in the literature in individuals affected with CTC1-related conditions. Invitae Evidence Modeling of protein sequence and biophysical properties (such as structural, functional, and spatial information, amino acid conservation, physicochemical variation, residue mobility, and thermodynamic stability) indicates that this missense variant is expected to disrupt CTC1 protein function with a positive predictive value of 80%. In summary, the available evidence is currently insufficient to determine the role of this variant in disease. Therefore, it has been classified as a Variant of Uncertain Significance.

NM_025099.6(CTC1):c.466C>T (p.His156Tyr)

Gene: CTC1 (CST telomere replication complex component 1; minus strand). Cytogenetic location: 17p13.1.
Variant type: single nucleotide variant.
Coding change: c.466C>T on transcript NM_025099.6 (MANE Select); coding-DNA position 466, C replaced by T.
Protein change: p.His156Tyr; replaces histidine 156 with tyrosine.
Molecular consequence: missense variant. On other transcripts: non-coding transcript variant (1).
Genome position (GRCh38, 1-based): chr17:8,238,212, G>A on the plus strand (C>T on the coding strand, the complement: CTC1 is on the minus strand). VCF-style: chr17-8238212-G-A. GRCh37 (hg19) VCF-style: chr17-8141530-G-A.
Other names: c.466C>T, p.His156Tyr (NM_001411067.1); short protein forms H156Y.
Identifiers: ClinVar variation 4759885 (VCV004759885.1).